The following is an entry in ClinVar:

NM_000038.6(APC):c.5810C>A (p.Ser1937Tyr)

Gene: APC (APC regulator of Wnt signaling pathway; plus strand). Cytogenetic location: 5q22.2.
Variant type: single nucleotide variant.
Coding change: c.5810C>A on transcript NM_000038.6 (MANE Select); coding-DNA position 5810, C replaced by A.
Protein change: p.Ser1937Tyr; replaces serine 1937 with tyrosine.
Molecular consequence: missense variant.
Genome position (GRCh38, 1-based): chr5:112,841,404, C>A. VCF-style: chr5-112841404-C-A. GRCh37 (hg19) VCF-style: chr5-112177101-C-A.
Other names: c.5810C>A, p.Ser1937Tyr (NM_001127510.3, NM_001354895.2); c.5756C>A, p.Ser1919Tyr (NM_001127511.3); c.5864C>A, p.Ser1955Tyr (NM_001354896.2); c.5840C>A, p.Ser1947Tyr (NM_001354897.2); c.5735C>A, p.Ser1912Tyr (NM_001354898.2); c.5726C>A, p.Ser1909Tyr (NM_001354899.2); c.5687C>A, p.Ser1896Tyr (NM_001354900.2); c.5633C>A, p.Ser1878Tyr (NM_001354901.2); and 5 more; short protein forms S1777Y, S1896Y, S1846Y, S1878Y, S1909Y, S1937Y, S1955Y, S1811Y.
Identifiers: ClinVar variation 922700 (VCV000922700.4), dbSNP rs1561602823, ClinGen allele CA16034041.
Genomic context (GRCh38, chr5:112,841,404, plus strand): 5'-CAATAAATCGAGGTCAGCCTAAACCCATACTTCAGAAACAATCCACTTTTCCCCAGTCAT[C>A]CAAAGACATACCAGACAGAGGGGCAGCAACTGATGAAAAGTTACAGAATTTTGCTATTGA-3'
Protein context (NP_000029.2, residues 1927-1947): LQKQSTFPQS[Ser1937Tyr]KDIPDRGAAT

ClinVar aggregate classification (germline): Uncertain significance (1 of 4 stars; one submission).

Conditions:
Hereditary cancer-predisposing syndrome. Also called: Neoplastic Syndromes, Hereditary; Tumor predisposition; Hereditary Cancer Syndrome; Hereditary neoplastic syndrome. Identifiers: Orphanet 140162, MedGen C0027672, MeSH D009386, MONDO:0015356.

Submission:

Color Diagnostics, LLC DBA Color Health
Classification: Uncertain significance for Hereditary cancer-predisposing syndrome. Last evaluated: 2024-03-07. Review status: criteria provided, single submitter. Criteria: ACMG Guidelines, 2015. Collection method: clinical testing. Allele origin: germline.
Comment: This missense variant replaces serine with tyrosine at codon 1937 of the APC protein. Computational prediction tool suggests that this variant may not impact protein structure and function. Splice site prediction tools suggest that this variant may not impact RNA splicing. To our knowledge, functional studies have not been performed for this variant. This variant has not been reported in individuals affected with hereditary cancer in the literature. This variant has not been identified in the general population by the Genome Aggregation Database (gnomAD). The available evidence is insufficient to determine the role of this variant in disease conclusively. Therefore, this variant is classified as a Variant of Uncertain Significance.